The following is an entry in ClinVar:

NM_000136.3(FANCC):c.1098G>C (p.Gln366His)

Genes: AOPEP (aminopeptidase O (putative); plus strand), FANCC (FA complementation group C; minus strand). Cytogenetic location: 9q22.32.
Variant type: single nucleotide variant.
Coding change: c.1098G>C on transcript NM_000136.3 (MANE Select); coding-DNA position 1098, G replaced by C.
Protein change: p.Gln366His; replaces glutamine 366 with histidine.
Molecular consequence: missense variant.
Genome position (GRCh38, 1-based): chr9:95,114,685, C>G on the plus strand (G>C on the coding strand, the complement: FANCC is on the minus strand). VCF-style: chr9-95114685-C-G. GRCh37 (hg19) VCF-style: chr9-97876967-C-G.
Other names: c.1098G>C, p.Gln366His (NM_001243743.2, NM_001243744.2); short protein forms Q366H.
Identifiers: ClinVar variation 579544 (VCV000579544.11), dbSNP rs1564652354, ClinGen allele CA374108023.

ClinVar aggregate classification (germline): Uncertain significance. Review status: criteria provided, multiple submitters, no conflicts (2 of 4 stars). 2 submissions from 2 submitters: Uncertain significance (2). Last evaluated 2025-01-04.

Conditions:
Fanconi anemia (FA). Also called: Fanconi's anemia. Identifiers: Orphanet 84, MedGen C0015625, MeSH D005199, MONDO:0019391.
Hereditary cancer-predisposing syndrome. Also called: Neoplastic Syndromes, Hereditary; Tumor predisposition; Hereditary neoplastic syndrome; Hereditary Cancer Syndrome. Identifiers: Orphanet 140162, MedGen C0027672, MeSH D009386, MONDO:0015356.

Submissions (2):

Ambry Genetics
Classification: Uncertain significance for Hereditary cancer-predisposing syndrome. Last evaluated: 2025-01-04. Review status: criteria provided, single submitter. Criteria: Ambry Variant Classification Scheme 2023. Collection method: clinical testing. Allele origin: germline.
Comment: The p.Q366H variant (also known as c.1098G>C), located in coding exon 11 of the FANCC gene, results from a G to C substitution at nucleotide position 1098. The glutamine at codon 366 is replaced by histidine, an amino acid with highly similar properties. This amino acid position is conserved. In addition, this alteration is predicted to be tolerated by in silico analysis. Based on the available evidence, the clinical significance of this variant remains unclear.

Labcorp Genetics (formerly Invitae), Labcorp
Classification: Uncertain significance for Fanconi anemia. Last evaluated: 2019-04-24. Review status: criteria provided, single submitter. Criteria: Invitae Variant Classification Sherloc (09022015). Collection method: clinical testing. Allele origin: germline.
Comment: This sequence change replaces glutamine with histidine at codon 366 of the FANCC protein (p.Gln366His). The glutamine residue is moderately conserved and there is a small physicochemical difference between glutamine and histidine. This variant is not present in population databases (ExAC no frequency). This variant has not been reported in the literature in individuals with FANCC-related disease. Algorithms developed to predict the effect of missense changes on protein structure and function are either unavailable or do not agree on the potential impact of this missense change (SIFT: "Tolerated"; PolyPhen-2: "Probably Damaging"; Align-GVGD: "Class C0"). In summary, the available evidence is currently insufficient to determine the role of this variant in disease. Therefore, it has been classified as a Variant of Uncertain Significance.